The following is an entry in ClinVar:

ClinVar aggregate classification (germline): Uncertain significance (1 of 4 stars; one submission).

Conditions:
ANE syndrome. Identifiers: Orphanet 157954, MedGen C2677535, MONDO:0012794, OMIM 612079.

Submission:

3billion
Classification: Uncertain significance for ANE syndrome. Last evaluated: 2026-01-06. Review status: criteria provided, single submitter. Criteria: ACMG Guidelines, 2015. Collection method: clinical testing. Allele origin: germline. Affected: yes.
Comment: The variant is not observed in the gnomAD v4.1.0 dataset. Predicted Consequence/Location: Missense variant Different missense changes at the same codon have been reported as of uncertain significance (ClinVar ID: VCV003943701). Therefore, this variant is classified as VUS according to the recommendation of ACMG/AMP guideline.

NM_018077.3(RBM28):c.1145A>C (p.Gln382Pro)

Gene: RBM28 (RNA binding motif protein 28; minus strand). Cytogenetic location: 7q32.1.
Variant type: single nucleotide variant.
Coding change: c.1145A>C on transcript NM_018077.3 (MANE Select); coding-DNA position 1145, A replaced by C.
Protein change: p.Gln382Pro; replaces glutamine 382 with proline.
Molecular consequence: missense variant.
Genome position (GRCh38, 1-based): chr7:128,325,876, T>G on the plus strand (A>C on the coding strand, the complement: RBM28 is on the minus strand). VCF-style: chr7-128325876-T-G. GRCh37 (hg19) VCF-style: chr7-127965929-T-G.
Other names: c.722A>C, p.Gln241Pro (NM_001166135.2); short protein forms Q241P, Q382P.
Identifiers: ClinVar variation 4855298 (VCV004855298.1).
Genomic context (GRCh38, chr7:128,325,876, plus strand): 5'-ACCTCATTCTCTGGAGAAGCAGCTAGAAGGCATTTCTGAGCTGCTTCTTGAGTCATGAAC[T>G]GGGCAAATGCACAACCTGCACAAGGAGACACAATTCAGTGAGATCCCAAACTCCCACAGA-3'
Protein context (NP_060547.2, residues 372-392): TEHSKGCAFA[Gln382Pro]FMTQEAAQKC